The following is an entry in ClinVar:

ClinVar aggregate classification (germline): Uncertain significance (1 of 4 stars; one submission).

Conditions:
Familial adenomatous polyposis 2. Also called: MUTYH-related attenuated familial adenomatous polyposis; COLORECTAL ADENOMATOUS POLYPOSIS, AUTOSOMAL RECESSIVE; ADENOMAS, MULTIPLE COLORECTAL, AUTOSOMAL RECESSIVE; MYH-associated polyposis; MUTYH-associated polyposis; MUTYH Polyposis. Identifiers: Orphanet 220460, Orphanet 247798, MedGen C3272841, MONDO:0012041, OMIM 608456.

Submission:

Labcorp Genetics (formerly Invitae), Labcorp
Classification: Uncertain significance for Familial adenomatous polyposis 2. Last evaluated: 2022-12-22. Review status: criteria provided, single submitter. Criteria: Invitae Variant Classification Sherloc (09022015). Collection method: clinical testing. Allele origin: germline.
Comment: In summary, the available evidence is currently insufficient to determine the role of this variant in disease. Therefore, it has been classified as a Variant of Uncertain Significance. Algorithms developed to predict the effect of missense changes on protein structure and function are either unavailable or do not agree on the potential impact of this missense change (SIFT: "Deleterious"; PolyPhen-2: "Benign"; Align-GVGD: "Class C15"). This variant has not been reported in the literature in individuals affected with MUTYH-related conditions. This variant is not present in population databases (gnomAD no frequency). This sequence change replaces glutamine, which is neutral and polar, with proline, which is neutral and non-polar, at codon 310 of the MUTYH protein (p.Gln310Pro).

NM_001048174.2(MUTYH):c.845A>C (p.Gln282Pro)

Gene: MUTYH (mutY DNA glycosylase; minus strand). Cytogenetic location: 1p34.1.
Variant type: single nucleotide variant.
Coding change: c.845A>C on transcript NM_001048174.2 (MANE Select); coding-DNA position 845, A replaced by C.
Protein change: p.Gln282Pro; replaces glutamine 282 with proline.
Molecular consequence: missense variant. On other transcripts: non-coding transcript variant (7).
Genome position (GRCh38, 1-based): chr1:45,332,170, T>G on the plus strand (A>C on the coding strand, the complement: MUTYH is on the minus strand). VCF-style: chr1-45332170-T-G. GRCh37 (hg19) VCF-style: chr1-45797842-T-G.
Other names: c.887A>C, p.Gln296Pro (NM_001407083.1, NM_001407085.1); c.848A>C, p.Gln283Pro (NM_001407086.1, NM_001048172.2, NM_001407071.1 and 1 more transcripts); c.866A>C, p.Gln289Pro (NM_001407087.1); c.845A>C, p.Gln282Pro (NM_001407088.1, NM_001407089.1, NM_001048171.2 and 6 more transcripts); c.569A>C, p.Gln190Pro (NM_001407091.1, NM_001293192.2, NM_001293196.2); c.920A>C, p.Gln307Pro (NM_012222.3); c.929A>C, p.Gln310Pro (NM_001128425.2); c.890A>C, p.Gln297Pro (NM_001293190.2); and 5 more; short protein forms Q190P, Q254P, Q283P, Q293P, Q297P, Q307P, Q167P, Q269P.
Identifiers: ClinVar variation 2823373 (VCV002823373.3), dbSNP rs2149136707, ClinGen allele CA340134292.